The following is an entry in ClinVar:

ClinVar aggregate classification (germline): Uncertain significance (1 of 4 stars; one submission).

Conditions:
Hajdu-Cheney syndrome (HJCYS). Also called: ACROOSTEOLYSIS WITH OSTEOPOROSIS AND CHANGES IN SKULL AND MANDIBLE; SERPENTINE FIBULA-POLYCYSTIC KIDNEY SYNDROME; Acroosteolysis dominant type. Identifiers: Orphanet 955, MedGen C0917715, MONDO:0007057, OMIM 102500.

Submission:

Labcorp Genetics (formerly Invitae), Labcorp
Classification: Uncertain significance for Hajdu-Cheney syndrome. Last evaluated: 2025-06-06. Review status: criteria provided, single submitter. Criteria: Invitae Variant Classification Sherloc (09022015). Collection method: clinical testing. Allele origin: germline.
Comment: This sequence change falls in intron 27 of the NOTCH2 gene. It does not directly change the encoded amino acid sequence of the NOTCH2 protein. It affects a nucleotide within the consensus splice site. This variant is not present in population databases (gnomAD no frequency). This variant has not been reported in the literature in individuals affected with NOTCH2-related conditions. Variants that disrupt the consensus splice site are a relatively common cause of aberrant splicing (PMID: 17576681, 9536098). Algorithms developed to predict the effect of sequence changes on RNA splicing suggest that this variant is not likely to affect RNA splicing. In summary, the available evidence is currently insufficient to determine the role of this variant in disease. Therefore, it has been classified as a Variant of Uncertain Significance.

Literature cited by the submitters: PubMed 17576681; PubMed 9536098.

NM_024408.4(NOTCH2):c.5003-3C>T

Gene: NOTCH2 (notch receptor 2; minus strand). Cytogenetic location: 1p12.
Variant type: single nucleotide variant.
Coding change: c.5003-3C>T on transcript NM_024408.4 (MANE Select); 3 bases into the intron before coding-DNA position 5003, C replaced by T.
Molecular consequence: intron variant.
Genome position (GRCh38, 1-based): chr1:119,922,449, G>A on the plus strand (C>T on the coding strand, the complement: NOTCH2 is on the minus strand). VCF-style: chr1-119922449-G-A. GRCh37 (hg19) VCF-style: chr1-120465072-G-A.
Identifiers: ClinVar variation 4718161 (VCV004718161.1).